The following is an entry in ClinVar:

NM_152424.4(AMER1):c.1185_1208dup (p.Glu395_Glu402dup)

Gene: AMER1 (APC membrane recruitment protein 1; minus strand). Cytogenetic location: Xq11.2.
Variant type: Duplication.
Coding change: c.1185_1208dup on transcript NM_152424.4 (MANE Select); coding-DNA positions 1185 to 1208, 24 bases duplicated (GGAGGTTAAGGAGGAGGAAGAAGA).
Protein change: p.Glu395_Glu402dup.
Molecular consequence: inframe insertion.
Genome position (GRCh38, 1-based): chrX:64,192,079-64,192,102, TCTTCTTCCTCCTCCTTAACCTCC duplicated on the plus strand (GGAGGTTAAGGAGGAGGAAGAAGA on the coding strand, the reverse complement: AMER1 is on the minus strand); duplicating any 24 consecutive bases within chrX:64,192,079-64,192,116 gives the same sequence; the c. name uses the placement nearest the transcript's 3' end. VCF-style (leftmost placement, unchanged base first): chrX-64192078-A-ATCTTCTTCCTCCTCCTTAACCTCC. GRCh37 (hg19) VCF-style: chrX-63411958-A-ATCTTCTTCCTCCTCCTTAACCTCC.
Identifiers: ClinVar variation 1442662 (VCV001442662.6), dbSNP rs1930259994, ClinGen allele CA1133644553.

ClinVar aggregate classification (germline): Uncertain significance (1 of 4 stars; one submission).

Submission:

Labcorp Genetics (formerly Invitae), Labcorp
Classification: Uncertain significance. Last evaluated: 2024-01-22. Review status: criteria provided, single submitter. Criteria: Invitae Variant Classification Sherloc (09022015). Collection method: clinical testing. Allele origin: germline.
Comment: This variant, c.1185_1208dup, results in the insertion of 8 amino acid(s) of the AMER1 protein (p.Glu395_Glu402dup), but otherwise preserves the integrity of the reading frame. This variant is not present in population databases (gnomAD no frequency). This variant has not been reported in the literature in individuals affected with AMER1-related conditions. ClinVar contains an entry for this variant (Variation ID: 1442662). Experimental studies and prediction algorithms are not available or were not evaluated, and the functional significance of this variant is currently unknown. In summary, the available evidence is currently insufficient to determine the role of this variant in disease. Therefore, it has been classified as a Variant of Uncertain Significance.